The following is an entry in ClinVar:

ClinVar aggregate classification (germline): Likely pathogenic. Review status: criteria provided, multiple submitters, no conflicts (2 of 4 stars). 2 submissions from 2 submitters: Likely pathogenic (2). Last evaluated 2024-07-30.

Conditions:
Ehlers-Danlos syndrome, classic type, 1 (EDSCL1). Also called: Ehlers-Danlos Syndrome, Classic Type, COL5A1-Related; EDS I; Ehlers-Danlos syndrome, type 1; EHLERS-DANLOS SYNDROME, GRAVIS TYPE; EHLERS-DANLOS SYNDROME, SEVERE CLASSIC TYPE. Identifiers: MedGen C0268335, MONDO:0019567, OMIM 130000.
Osteogenesis imperfecta type I (OI1). Also called: Lobstein disease; Classic Non-deforming Osteogenesis Imperfecta with Blue Sclerae; OI, TYPE I; OSTEOGENESIS IMPERFECTA TARDA; OSTEOGENESIS IMPERFECTA WITH BLUE SCLERAE; Osteogenesis imperfecta type 1. Identifiers: Orphanet 216796, Orphanet 666, MedGen C0023931, MONDO:0008146, OMIM 166200. Disease mechanism: loss of function.
Osteogenesis imperfecta (OI). Identifiers: Orphanet 666, MedGen C0029434, MeSH D010013, MONDO:0019019.

Submissions (2):

Labcorp Genetics (formerly Invitae), Labcorp
Classification: Likely pathogenic for Osteogenesis imperfecta type I; Ehlers-Danlos syndrome, classic type, 1. Last evaluated: 2024-07-30. Review status: criteria provided, single submitter. Criteria: Invitae Variant Classification Sherloc (09022015). Collection method: clinical testing. Allele origin: germline.
Comment: This sequence change replaces glycine, which is neutral and non-polar, with aspartic acid, which is acidic and polar, at codon 226 of the COL1A2 protein (p.Gly226Asp). This variant is not present in population databases (gnomAD no frequency). This variant has not been reported in the literature in individuals affected with COL1A2-related conditions. ClinVar contains an entry for this variant (Variation ID: 35955). Advanced modeling of protein sequence and biophysical properties (such as structural, functional, and spatial information, amino acid conservation, physicochemical variation, residue mobility, and thermodynamic stability) performed at Invitae indicates that this missense variant is expected to disrupt COL1A2 protein function with a positive predictive value of 95%. This variant disrupts the triple helix domain of COL1A2. Glycine residues within the Gly-Xaa-Yaa repeats of the triple helix domain are required for the structure and stability of fibrillar collagens (PMID: 7695699, 8218237, 19344236). In COL1A2, variants affecting these glycine residues are significantly enriched in individuals with disease (PMID: 9016532, 17078022) compared to the general population (ExAC). In summary, the currently available evidence indicates that the variant is pathogenic, but additional data are needed to prove that conclusively. Therefore, this variant has been classified as Likely Pathogenic.

Women's Health and Genetics/Laboratory Corporation of America, LabCorp
Classification: Likely pathogenic for Osteogenesis Imperfecta. Last evaluated: 2011-08-18. Review status: criteria provided, single submitter. Criteria: LabCorp Variant Classification Summary - May 2015. Collection method: curation, clinical testing. Allele origin: germline. Inheritance: autosomal unknown. Affected: yes.
ClinVar note: Converted during submission from likely pathogenic to Likely pathogenic.

Literature cited by the submitters: PubMed 7695699 (cited by Labcorp Genetics (formerly Invitae), Labcorp); PubMed 8218237 (cited by Labcorp Genetics (formerly Invitae), Labcorp); PubMed 19344236 (cited by Labcorp Genetics (formerly Invitae), Labcorp); PubMed 9016532 (cited by Labcorp Genetics (formerly Invitae), Labcorp); PubMed 17078022 (cited by Labcorp Genetics (formerly Invitae), Labcorp).

NM_000089.4(COL1A2):c.677G>A (p.Gly226Asp)

Gene: COL1A2 (collagen type I alpha 2 chain; plus strand). Cytogenetic location: 7q21.3.
Variant type: single nucleotide variant.
Coding change: c.677G>A on transcript NM_000089.4 (MANE Select); coding-DNA position 677, G replaced by A.
Protein change: p.Gly226Asp; replaces glycine 226 with aspartic acid.
Molecular consequence: missense variant.
Genome position (GRCh38, 1-based): chr7:94,408,220, G>A. VCF-style: chr7-94408220-G-A. GRCh37 (hg19) VCF-style: chr7-94037532-G-A.
Other names: short protein forms G226D.
Identifiers: ClinVar variation 35955 (VCV000035955.6), dbSNP rs193922173, ClinGen allele CA260382.